The following is an entry in ClinVar:

NM_020812.4(DOCK6):c.4899G>A (p.Leu1633=)

Genes: DOCK6 (dedicator of cytokinesis 6; minus strand), DOCK6-AS1 (DOCK6 antisense RNA 1; plus strand). Cytogenetic location: 19p13.2.
Variant type: single nucleotide variant.
Coding change: c.4899G>A on transcript NM_020812.4 (MANE Select); coding-DNA position 4899, G replaced by A.
Protein change: p.Leu1633=; no amino-acid change (leucine 1633 retained).
Molecular consequence: synonymous variant.
Genome position (GRCh38, 1-based): chr19:11,208,956, C>T on the plus strand (G>A on the coding strand, the complement: DOCK6 is on the minus strand). VCF-style: chr19-11208956-C-T. GRCh37 (hg19) VCF-style: chr19-11319632-C-T.
Other names: c.5004G>A, p.Leu1668= (NM_001367830.1).
Identifiers: ClinVar variation 774953 (VCV000774953.38), dbSNP rs72985308, ClinGen allele CA9206697.
Genomic context (GRCh38, chr19:11,208,956, plus strand): 5'-CCCCTGGCCACTCACCTGGAAGGAAACGCAGCCCACGGGCAGGTGGCGGTGGTCCTCGAG[C>T]AGGGCGAGGTACTCAGCCACGAGGGCGGCCGCGTGCACCATGCACTGGGCGGCCTCGGCG-3'
Protein context (NP_065863.2, residues 1623-1643): AAALVAEYLA[Leu1633=]LEDHRHLPVG

ClinVar aggregate classification (germline): Benign/Likely benign. Review status: criteria provided, multiple submitters, no conflicts (2 of 4 stars). 5 submissions from 5 submitters: Benign (1); Likely benign (4). Last evaluated 2026-04-01.

Allele frequency attached by ClinVar (database versions not stated): 1000 Genomes Project 0.00100; 1000 Genomes Project 30x 0.00141; ESP Exome Variant Server 0.00202; gnomAD 0.00210 and 0.00255; gnomAD exomes 0.00228 and 0.00367; ExAC 0.00256; TOPMed 0.00323.

Submissions (5):

CeGaT Center for Human Genetics Tuebingen
Classification: Likely benign. Last evaluated: 2026-04-01. Review status: criteria provided, single submitter. Criteria: CeGaT Center For Human Genetics Tuebingen Variant Classification Criteria Version 2. Collection method: clinical testing. Allele origin: germline. Affected: yes. Observed: 14 variant alleles.
Comment: DOCK6: BP4, BP7, BS2

Labcorp Genetics (formerly Invitae), Labcorp
Classification: Benign. Last evaluated: 2026-02-01. Review status: criteria provided, single submitter. Criteria: Invitae Variant Classification Sherloc (09022015). Collection method: clinical testing. Allele origin: germline.

Blueprint Genetics
Classification: Likely benign. Last evaluated: 2024-11-17. Review status: criteria provided, single submitter. Criteria: ACMG Guidelines, 2015. Collection method: clinical testing. Allele origin: germline.

GeneDx
Classification: Likely benign. Last evaluated: 2021-08-12. Review status: criteria provided, single submitter. Criteria: GeneDx Variant Classification Process June 2021. Collection method: clinical testing. Allele origin: germline. Affected: yes.

Breakthrough Genomics
Classification: Likely benign. Review status: criteria provided, single submitter. Criteria: ACMG Guidelines, 2015. Collection method: not provided. Allele origin: germline. Inheritance: Autosomal recessive inheritance. Affected: yes.